The following is an entry in ClinVar:

NM_020708.5(SLC12A5):c.854+1G>A

Gene: SLC12A5 (solute carrier family 12 member 5; plus strand). Cytogenetic location: 20q13.12.
Variant type: single nucleotide variant.
Coding change: c.854+1G>A on transcript NM_020708.5 (MANE Select); the canonical splice donor site of the intron after coding-DNA position 854, G replaced by A.
Molecular consequence: splice donor variant.
Genome position (GRCh38, 1-based): chr20:46,040,615, G>A. VCF-style: chr20-46040615-G-A. GRCh37 (hg19) VCF-style: chr20-44669254-G-A.
Other names: c.923+1G>A (NM_001134771.2).
Identifiers: ClinVar variation 2072064 (VCV002072064.4), dbSNP rs142641765, ClinGen allele CA9887145.

ClinVar aggregate classification (germline): Likely pathogenic (1 of 4 stars; one submission).

Conditions:
Developmental and epileptic encephalopathy, 34 (DEE34). Also called: SLC12A5-Related Epilepsy of Infancy with Migrating Focal Seizures; Early infantile epileptic encephalopathy 34. Identifiers: Orphanet 293181, MedGen C4225257, MONDO:0014718, OMIM 616645.

Allele frequency attached by ClinVar (database versions not stated): ExAC 0.00001; ESP Exome Variant Server 0.00008.

Submission:

Labcorp Genetics (formerly Invitae), Labcorp
Classification: Likely pathogenic for Developmental and epileptic encephalopathy, 34. Last evaluated: 2024-02-11. Review status: criteria provided, single submitter. Criteria: Invitae Variant Classification Sherloc (09022015). Collection method: clinical testing. Allele origin: germline.
Comment: This sequence change affects a donor splice site in intron 7 of the SLC12A5 gene. It is expected to disrupt RNA splicing. Variants that disrupt the donor or acceptor splice site typically lead to a loss of protein function (PMID: 16199547), and loss-of-function variants in SLC12A5 are known to be pathogenic (PMID: 26333769, 27436767). This variant is present in population databases (rs142641765, gnomAD 0.0009%). This variant has not been reported in the literature in individuals affected with SLC12A5-related conditions. ClinVar contains an entry for this variant (Variation ID: 2072064). Algorithms developed to predict the effect of sequence changes on RNA splicing suggest that this variant may disrupt the consensus splice site. In summary, the currently available evidence indicates that the variant is pathogenic, but additional data are needed to prove that conclusively. Therefore, this variant has been classified as Likely Pathogenic.

Literature cited by the submitters: PubMed 16199547; PubMed 26333769; PubMed 27436767.